The following is an entry in ClinVar:

NM_183357.3(ADCY5):c.1406+72_1406+75dup

Gene: ADCY5 (adenylate cyclase 5; minus strand). Cytogenetic location: 3q21.1.
Variant type: Duplication.
Coding change: c.1406+72_1406+75dup on transcript NM_183357.3 (MANE Select); bases 72 to 75 of the intron after coding-DNA position 1406, 4 bases duplicated (TTTC; older notation c.1406+72_1406+75dupTTTC).
Molecular consequence: intron variant.
Genome position (GRCh38, 1-based): chr3:123,347,707-123,347,710, GAAA duplicated on the plus strand (TTTC on the coding strand, the reverse complement: ADCY5 is on the minus strand); duplicating any 4 consecutive bases within chr3:123,347,707-123,347,711 gives the same sequence; the c. name uses the placement nearest the transcript's 3' end. VCF-style (leftmost placement, unchanged base first): chr3-123347706-T-TGAAA. GRCh37 (hg19) VCF-style: chr3-123066553-T-TGAAA.
Other names: c.1406+72_1406+75dup (NM_001378259.1); c.356+72_356+75dup (NM_001199642.1).
Identifiers: ClinVar variation 3256833 (VCV003256833.2).

ClinVar aggregate classification (germline): Benign (1 of 4 stars; one submission).

Submission:

Unidad de Genómica Garrahan, Hospital de Pediatría Garrahan
Classification: Benign. Last evaluated: 2024-07-31. Review status: criteria provided, single submitter. Criteria: ACMG Guidelines, 2015. Collection method: clinical testing. Allele origin: germline. Affected: no. Observed: 20 variant alleles.
Comment: This variant is classified as Benign based on local population frequency. This variant was detected in 22% of patients studied in a panel designed for Epileptic and Developmental Encephalopathy, Progressive Myoclonus Epilepsy and Abnormal Movements and Neurodegeneration with brain iron accumulation. Number of patients: 20. Only high quality variants are reported.